The following is an entry in ClinVar:

NM_004415.4(DSP):c.6475dup (p.Tyr2159fs)

Gene: DSP (desmoplakin; plus strand). Cytogenetic location: 6p24.3.
Variant type: Duplication.
Coding change: c.6475dup on transcript NM_004415.4 (MANE Select); coding-DNA position 6475, one base duplicated (T; older notation c.6475dupT).
Protein change: p.Tyr2159fs; shifts the reading frame from tyrosine 2159.
Molecular consequence: frameshift variant.
Genome position (GRCh38, 1-based): chr6:7,583,737, T duplicated. VCF-style (leftmost placement, unchanged base first): chr6-7583736-G-GT. GRCh37 (hg19) VCF-style: chr6-7583969-G-GT.
Other names: c.4678dup, p.Tyr1560fs (NM_001008844.3); c.5146dup, p.Tyr1716fs (NM_001319034.2); c.6475dupT (NM_004415.2, NM_004415.4); short protein forms Y1560fs, Y2159fs, Y1716fs.
Identifiers: ClinVar variation 3505484 (VCV003505484.4).

ClinVar aggregate classification (germline): Pathogenic. Review status: criteria provided, multiple submitters, no conflicts (2 of 4 stars). 3 submissions from 3 submitters: Pathogenic (3). Last evaluated 2025-04-11.

Conditions:
Familial isolated arrhythmogenic right ventricular dysplasia. Identifiers: Orphanet 217656, MedGen C4274968, MONDO:0016342.
Arrhythmogenic cardiomyopathy with wooly hair and keratoderma. Also called: PALMOPLANTAR KERATODERMA WITH LEFT VENTRICULAR CARDIOMYOPATHY AND WOOLLY HAIR; Carvajal syndrome; Arrhythmogenic cardiomyopathy with woolly hair and keratoderma; Dilated cardiomyopathy with woolly hair and keratoderma. Identifiers: Orphanet 65282, MedGen C1854063, MONDO:0011581, OMIM 605676.
Arrhythmogenic right ventricular dysplasia 8 (ARVD8). Also called: Arrhythmogenic Right Ventricular Dysplasia/Cardiomyopathy 8; ARRHYTHMOGENIC RIGHT VENTRICULAR DYSPLASIA, FAMILIAL, 8; ARRHYTHMOGENIC RIGHT VENTRICULAR CARDIOMYOPATHY 8. Identifiers: MedGen C1843896, MONDO:0011831, OMIM 607450.
Cardiovascular phenotype. Identifiers: MedGen CN230736.

Submissions (3):

Women's Health and Genetics/Laboratory Corporation of America, LabCorp
Classification: Pathogenic for Familial isolated arrhythmogenic right ventricular dysplasia. Last evaluated: 2025-04-11. Review status: criteria provided, single submitter. Criteria: LabCorp Variant Classification Summary - May 2015. Collection method: clinical testing. Allele origin: germline.
Comment: Variant summary: DSP c.6475dupT (p.Tyr2159LeufsX6) results in a premature termination codon, predicted to cause a truncation of the encoded protein, and at-least one frameshift variant is associated with disease (c.7623delG/p.Lys2542SerfsX19). The variant was absent in 251366 control chromosomes. To our knowledge, no occurrence of c.6475dupT in individuals affected with Arrhythmogenic Right Ventricular Dysplasia/Cardiomyopathy and no experimental evidence demonstrating its impact on protein function have been reported. ClinVar contains an entry for this variant (Variation ID: 3505484). Based on the evidence outlined above, the variant was classified as pathogenic.

Labcorp Genetics (formerly Invitae), Labcorp
Classification: Pathogenic for Arrhythmogenic cardiomyopathy with wooly hair and keratoderma; Arrhythmogenic right ventricular dysplasia 8. Last evaluated: 2025-03-09. Review status: criteria provided, single submitter. Criteria: Invitae Variant Classification Sherloc (09022015). Collection method: clinical testing. Allele origin: germline.
Comment: This sequence change creates a premature translational stop signal (p.Tyr2159Leufs*6) in the DSP gene. While this is not anticipated to result in nonsense mediated decay, it is expected to disrupt the last 613 amino acid(s) of the DSP protein. This variant is not present in population databases (gnomAD no frequency). This variant has not been reported in the literature in individuals affected with DSP-related conditions. ClinVar contains an entry for this variant (Variation ID: 3505484). This variant disrupts a region of the DSP protein in which other variant(s) (p.Glu2728Glyfs*11) have been determined to be pathogenic (PMID: 27532257, 28527814, 36580316; internal data). This suggests that this is a clinically significant region of the protein, and that variants that disrupt it are likely to be disease-causing. For these reasons, this variant has been classified as Pathogenic.

Ambry Genetics
Classification: Pathogenic for Cardiovascular phenotype. Last evaluated: 2024-08-12. Review status: criteria provided, single submitter. Criteria: Ambry Variant Classification Scheme 2023. Collection method: clinical testing. Allele origin: germline.
Comment: The c.6475dupT pathogenic mutation, located in coding exon 24 of the DSP gene, results from a duplication of T at nucleotide position 6475, causing a translational frameshift with a predicted alternate stop codon (p.Y2159Lfs*6). This alteration occurs at the 3' terminus of the DSP gene, is not expected to trigger nonsense-mediated mRNA decay, and impacts the last 25% of the protein. However, premature stop codons are typically deleterious in nature and the impacted region is critical for protein function (Ambry internal data). Alterations in DSP that result in haploinsufficiency or protein truncation have been reported in patients with arrhythmogenic right ventricular cardiomyopathy (ARVC) and dilated cardiomyopathy (DCM) (Fressart V et al. Europace. 2010;12(6):861-8; Elliott P et al. Circ Cardiovasc Genet. 2010;3(4):314-22; Quarta G et al. Circulation. 2011;123(23):2701-9; Garcia-Pavia P et al. Heart. 2011;97(21):1744-52; Rasmussen TB et al. Clin Genet. 2013;84(1):20-30; Pugh TJ et al. Genet Med. 2014;16(8):601-8). This variant is considered to be rare based on population cohorts in the Genome Aggregation Database (gnomAD). Based on the supporting evidence, this variant is interpreted as a disease-causing mutation.

Literature cited by the submitters: PubMed 27532257 (cited by Labcorp Genetics (formerly Invitae), Labcorp); PubMed 28527814 (cited by Labcorp Genetics (formerly Invitae), Labcorp); PubMed 36580316 (cited by Labcorp Genetics (formerly Invitae), Labcorp).